The following is an entry in ClinVar:

ClinVar aggregate classification (germline): Uncertain significance. Review status: criteria provided, multiple submitters, no conflicts (2 of 4 stars). 3 submissions from 3 submitters: Uncertain significance (3). Last evaluated 2022-10-03.

Conditions:
Nephronophthisis. Also called: Juvenile Nephronophthisis. Identifiers: Orphanet 655, MedGen C0687120, MONDO:0019005, HP:0000090.
Nephronophthisis 4 (NPHP4). Also called: NEPHRONOPHTHISIS 4, JUVENILE. Identifiers: Orphanet 655, MedGen C1847013, MONDO:0011752, OMIM 606966.
Senior-Loken syndrome 4 (SLSN4). Identifiers: Orphanet 3156, MedGen C1846979, MONDO:0011756, OMIM 606996.

Allele frequency attached by ClinVar (database versions not stated): gnomAD 0.00001; gnomAD exomes 0.00001; TOPMed 0.00002.
gnomAD v4.1: 22 of 1,612,718 alleles (0.0014%); highest among the groups gnomAD compares: Non-Finnish European, 0.0017%; no homozygotes.

Submissions (3):

Labcorp Genetics (formerly Invitae), Labcorp
Classification: Uncertain significance for Nephronophthisis. Last evaluated: 2022-10-03. Review status: criteria provided, single submitter. Criteria: Invitae Variant Classification Sherloc (09022015). Collection method: clinical testing. Allele origin: germline.
Comment: This sequence change replaces tyrosine, which is neutral and polar, with histidine, which is basic and polar, at codon 187 of the NPHP4 protein (p.Tyr187His). This variant is present in population databases (no rsID available, gnomAD 0.002%). This variant has not been reported in the literature in individuals affected with NPHP4-related conditions. ClinVar contains an entry for this variant (Variation ID: 597923). Advanced modeling of protein sequence and biophysical properties (such as structural, functional, and spatial information, amino acid conservation, physicochemical variation, residue mobility, and thermodynamic stability) performed at Invitae indicates that this missense variant is expected to disrupt NPHP4 protein function. In summary, the available evidence is currently insufficient to determine the role of this variant in disease. Therefore, it has been classified as a Variant of Uncertain Significance.

Fulgent Genetics
Classification: Uncertain significance for Nephronophthisis 4; Senior-Loken syndrome 4. Last evaluated: 2022-03-03. Review status: criteria provided, single submitter. Criteria: ACMG Guidelines, 2015. Collection method: clinical testing. Allele origin: unknown.

Eurofins Ntd Llc (ga)
Classification: Uncertain significance. Last evaluated: 2018-07-13. Review status: criteria provided, single submitter. Criteria: EGL ClinVar v180209 classification definitions. Collection method: clinical testing. Allele origin: germline. Observed: 1 variant allele, 1 heterozygote.

NM_015102.5(NPHP4):c.559T>C (p.Tyr187His)

Gene: NPHP4 (nephrocystin 4; minus strand). Cytogenetic location: 1p36.31.
Variant type: single nucleotide variant.
Coding change: c.559T>C on transcript NM_015102.5 (MANE Select); coding-DNA position 559, T replaced by C.
Protein change: p.Tyr187His; replaces tyrosine 187 with histidine.
Molecular consequence: missense variant. On other transcripts: 5 prime UTR variant (2), non-coding transcript variant (1).
Genome position (GRCh38, 1-based): chr1:5,961,908, A>G on the plus strand (T>C on the coding strand, the complement: NPHP4 is on the minus strand). VCF-style: chr1-5961908-A-G. GRCh37 (hg19) VCF-style: chr1-6021968-A-G.
Other names: c.-671T>C (NM_001291593.2); c.-808T>C (NM_001291594.2); short protein forms Y187H.
Identifiers: ClinVar variation 597923 (VCV000597923.10), dbSNP rs1027187670, ClinGen allele CA17169416.